The following is an entry in ClinVar:

NM_015512.5(DNAH1):c.6739C>G (p.Leu2247Val)

Gene: DNAH1 (dynein axonemal heavy chain 1; plus strand). Cytogenetic location: 3p21.1.
Variant type: single nucleotide variant.
Coding change: c.6739C>G on transcript NM_015512.5 (MANE Select); coding-DNA position 6739, C replaced by G.
Protein change: p.Leu2247Val; replaces leucine 2247 with valine.
Molecular consequence: missense variant.
Genome position (GRCh38, 1-based): chr3:52,372,299, C>G. VCF-style: chr3-52372299-C-G. GRCh37 (hg19) VCF-style: chr3-52406315-C-G.
Other names: short protein forms L2247V.
Identifiers: ClinVar variation 1366983 (VCV001366983.8), dbSNP rs763045954, ClinGen allele CA2434628.

ClinVar aggregate classification (germline): Uncertain significance (1 of 4 stars; one submission).

Conditions:
Spermatogenic failure 18. Identifiers: MedGen C4539783, MONDO:0054615, OMIM 617576.
Ciliary dyskinesia, primary, 37 (CILD37). Also called: CILIARY DYSKINESIA, PRIMARY, 37, WITH OR WITHOUT SITUS INVERSUS. Identifiers: MedGen C4539798, MONDO:0033204, OMIM 617577.

Allele frequency attached by ClinVar (database versions not stated): ExAC 0.00016; gnomAD exomes 0.00014; gnomAD 0.00002; TOPMed 0.00007.
gnomAD v4.1: 38 of 1,613,902 alleles (0.0024%); highest among the groups gnomAD compares: Admixed American, 0.062%; no homozygotes.

Submission:

Labcorp Genetics (formerly Invitae), Labcorp
Classification: Uncertain significance for Ciliary dyskinesia, primary, 37; Spermatogenic failure 18. Last evaluated: 2025-12-27. Review status: criteria provided, single submitter. Criteria: Invitae Variant Classification Sherloc (09022015). Collection method: clinical testing. Allele origin: germline.
Comment: This sequence change replaces leucine, which is neutral and non-polar, with valine, which is neutral and non-polar, at codon 2247 of the DNAH1 protein (p.Leu2247Val). This variant is present in population databases (rs763045954, gnomAD 0.1%). This variant has not been reported in the literature in individuals affected with DNAH1-related conditions. ClinVar contains an entry for this variant (Variation ID: 1366983). Invitae Evidence Modeling of protein sequence and biophysical properties (such as structural, functional, and spatial information, amino acid conservation, physicochemical variation, residue mobility, and thermodynamic stability) indicates that this missense variant is expected to disrupt DNAH1 protein function with a positive predictive value of 80%. In summary, the available evidence is currently insufficient to determine the role of this variant in disease. Therefore, it has been classified as a Variant of Uncertain Significance.